The following is an entry in ClinVar:

ClinVar aggregate classification (germline): Pathogenic/Likely pathogenic. Review status: criteria provided, multiple submitters, no conflicts (2 of 4 stars). 2 submissions from 2 submitters: Pathogenic (1); Likely pathogenic (1). Last evaluated 2025-12-16.

Conditions:
Glutathione synthetase deficiency without 5-oxoprolinuria. Also called: ANEMIA, CONGENITAL, NONSPHEROCYTIC HEMOLYTIC, 6. Identifiers: Orphanet 289849, Orphanet 32, MedGen C1856399, MONDO:0009284, OMIM 231900.
Glutathione synthetase deficiency with 5-oxoprolinuria. Also called: Reduced glutathione synthetase level; 5-OXOPROLINURIA DUE TO GLUTATHIONE SYNTHETASE DEFICIENCY; PYROGLUTAMIC ACIDURIA; 5-Oxoprolinuria; Gluthathione synthetase deficiency. Identifiers: Orphanet 289846, MedGen C0398746, MONDO:0009947, OMIM 266130, HP:0003343.

Allele frequency attached by ClinVar (database versions not stated): ExAC 0.00001; gnomAD 0.00001; gnomAD exomes 0.00001 and 0.00002; TOPMed 0.00003.
gnomAD v4.1: 35 of 1,613,816 alleles (0.0022%); highest among the groups gnomAD compares: South Asian, 0.0044%; no homozygotes.

Submissions (2):

Labcorp Genetics (formerly Invitae), Labcorp
Classification: Pathogenic for Glutathione synthetase deficiency with 5-oxoprolinuria. Last evaluated: 2025-12-16. Review status: criteria provided, single submitter. Criteria: Invitae Variant Classification Sherloc (09022015). Collection method: clinical testing. Allele origin: germline.
Comment: This sequence change creates a premature translational stop signal (p.Arg236*) in the GSS gene. It is expected to result in an absent or disrupted protein product. Loss-of-function variants in GSS are known to be pathogenic (PMID: 12638941, 15717202). This variant is present in population databases (rs765110067, gnomAD 0.003%). This variant has not been reported in the literature in individuals affected with GSS-related conditions. ClinVar contains an entry for this variant (Variation ID: 1452899). Algorithms developed to predict the effect of sequence changes on RNA splicing suggest that this variant may disrupt the consensus splice site. For these reasons, this variant has been classified as Pathogenic.

Fulgent Genetics
Classification: Likely pathogenic for Glutathione synthetase deficiency without 5-oxoprolinuria; Glutathione synthetase deficiency with 5-oxoprolinuria. Last evaluated: 2024-05-21. Review status: criteria provided, single submitter. Criteria: ACMG Guidelines, 2015. Collection method: clinical testing. Allele origin: germline.

Literature cited by the submitters: PubMed 12638941 (cited by Labcorp Genetics (formerly Invitae), Labcorp); PubMed 15717202 (cited by Labcorp Genetics (formerly Invitae), Labcorp).

NM_000178.4(GSS):c.706C>T (p.Arg236Ter)

Gene: GSS (glutathione synthetase; minus strand). Cytogenetic location: 20q11.22.
Variant type: single nucleotide variant.
Coding change: c.706C>T on transcript NM_000178.4 (MANE Select); coding-DNA position 706, C replaced by T.
Protein change: p.Arg236Ter; replaces arginine 236 with a stop codon.
Molecular consequence: nonsense.
Genome position (GRCh38, 1-based): chr20:34,936,824, G>A on the plus strand (C>T on the coding strand, the complement: GSS is on the minus strand). VCF-style: chr20-34936824-G-A. GRCh37 (hg19) VCF-style: chr20-33524627-G-A.
Other names: c.706C>T, p.Arg236Ter (NM_001322494.1, NM_001322495.1); short protein forms R236*.
Identifiers: ClinVar variation 1452899 (VCV001452899.7), dbSNP rs765110067, ClinGen allele CA9825989.